The following is an entry in ClinVar:

ClinVar aggregate classification (germline): Likely pathogenic (1 of 4 stars; one submission).

Conditions:
Brachyolmia-amelogenesis imperfecta syndrome. Also called: Tooth agenesis, selective, 6; Dental anomalies and short stature; PLATYSPONDYLY WITH AMELOGENESIS IMPERFECTA. Identifiers: Orphanet 2899, MedGen C1832594, MONDO:0011018, OMIM 601216. Disease mechanism: loss of function.

Submission:

Hacettepe Pediatric Genetics Laboratory, Hacettepe University
Classification: Likely pathogenic for Brachyolmia-amelogenesis imperfecta syndrome. Last evaluated: 2024-06-11. Review status: criteria provided, single submitter. Criteria: ACMG Guidelines, 2015. Collection method: clinical testing. Allele origin: germline. Inheritance: Autosomal recessive inheritance. Affected: yes. Observed: 3 homozygotes. Clinical features observed: Short stature (HP:0004322), Oligodontia (HP:0000677), Aortic dilatation (HP:0001724), Hirsutism (HP:0001007).
Comment: This non-coding variant (c.2726-1G>A) is absent in healthy population (gnomAD database). Prediction tools showed it deleterious. SpliceAI and dbscSNV Ada predict score are 1 (deleterious).

NM_001130144.3(LTBP3):c.2726-1G>A

Gene: LTBP3 (latent transforming growth factor beta binding protein 3; minus strand). Cytogenetic location: 11q13.1.
Variant type: single nucleotide variant.
Coding change: c.2726-1G>A on transcript NM_001130144.3 (MANE Select); the canonical splice acceptor site of the intron before coding-DNA position 2726, G replaced by A.
Molecular consequence: splice acceptor variant.
Genome position (GRCh38, 1-based): chr11:65,541,294, C>T on the plus strand (G>A on the coding strand, the complement: LTBP3 is on the minus strand). VCF-style: chr11-65541294-C-T. GRCh37 (hg19) VCF-style: chr11-65308765-C-T.
Other names: c.2375-1G>A (NM_001164266.1); c.2726-1G>A (NM_021070.4).
Identifiers: ClinVar variation 3241974 (VCV003241974.2).